The following is an entry in ClinVar:

NM_004304.5(ALK):c.2089A>G (p.Thr697Ala)

Gene: ALK (ALK receptor tyrosine kinase; minus strand). Cytogenetic location: 2p23.2.
Variant type: single nucleotide variant.
Coding change: c.2089A>G on transcript NM_004304.5 (MANE Select); coding-DNA position 2089, A replaced by G.
Protein change: p.Thr697Ala; replaces threonine 697 with alanine.
Molecular consequence: missense variant.
Genome position (GRCh38, 1-based): chr2:29,251,220, T>C on the plus strand (A>G on the coding strand, the complement: ALK is on the minus strand). VCF-style: chr2-29251220-T-C. GRCh37 (hg19) VCF-style: chr2-29474086-T-C.
Other names: short protein forms T697A.
Identifiers: ClinVar variation 1785681 (VCV001785681.2), dbSNP rs1199322209, ClinGen allele CA346477098.
Genomic context (GRCh38, chr2:29,251,220, plus strand): 5'-CGCTCCCCACCTCCACGCTCAGGTTGGAGTTCTGGTAGGCGTTGTTGCACTGTGCCTGGG[T>C]GGGGCCATGGGGCCCGCTGGCCCCACATGTGGTGAACAGCCAATGAACTGTGGCACAAGA-3'
Protein context (NP_004295.2, residues 687-707): TCGASGPHGP[Thr697Ala]QAQCNNAYQN

ClinVar aggregate classification (germline): Uncertain significance (1 of 4 stars; one submission).

Conditions:
Hereditary cancer-predisposing syndrome. Also called: Neoplastic Syndromes, Hereditary; Tumor predisposition; Hereditary Cancer Syndrome; Hereditary neoplastic syndrome. Identifiers: Orphanet 140162, MedGen C0027672, MeSH D009386, MONDO:0015356.

Submission:

Ambry Genetics
Classification: Uncertain significance for Hereditary cancer-predisposing syndrome. Last evaluated: 2022-09-04. Review status: criteria provided, single submitter. Criteria: Ambry Variant Classification Scheme 2023. Collection method: clinical testing. Allele origin: germline.
Comment: The p.T697A variant (also known as c.2089A>G), located in coding exon 12 of the ALK gene, results from an A to G substitution at nucleotide position 2089. The threonine at codon 697 is replaced by alanine, an amino acid with similar properties. This amino acid position is conserved. In addition, the in silico prediction for this alteration is inconclusive. Since supporting evidence is limited at this time, the clinical significance of this alteration remains unclear.